The following is an entry in ClinVar:

ClinVar aggregate classification (germline): Likely pathogenic (1 of 4 stars; one submission).

Conditions:
Developmental and epileptic encephalopathy, 54. Also called: HNRNPU-Related Neurodevelopmental Disorder; Epileptic encephalopathy, early infantile, 54. Identifiers: MedGen C4479319, MONDO:0033363, OMIM 617391.

Submission:

Laboratorio de Genetica e Diagnostico Molecular, Hospital Israelita Albert Einstein
Classification: Likely pathogenic for Developmental and epileptic encephalopathy, 54. Last evaluated: 2022-10-19. Review status: criteria provided, single submitter. Criteria: ACMG Guidelines, 2015. Collection method: clinical testing. Allele origin: germline. Affected: yes. Observed: 1 variant allele.
Comment: ACMG classification criteria: PVS1 very strong, PM2 moderated

NM_031844.3(HNRNPU):c.1723C>T (p.Arg575Ter)

Gene: HNRNPU (heterogeneous nuclear ribonucleoprotein U; minus strand). Cytogenetic location: 1q44.
Variant type: single nucleotide variant.
Coding change: c.1723C>T on transcript NM_031844.3 (MANE Select); coding-DNA position 1723, C replaced by T.
Protein change: p.Arg575Ter; replaces arginine 575 with a stop codon.
Molecular consequence: nonsense.
Genome position (GRCh38, 1-based): chr1:244,856,748, G>A on the plus strand (C>T on the coding strand, the complement: HNRNPU is on the minus strand). VCF-style: chr1-244856748-G-A. GRCh37 (hg19) VCF-style: chr1-245020050-G-A.
Other names: c.1666C>T, p.Arg556Ter (NM_004501.3); short protein forms R556*, R575*.
Identifiers: ClinVar variation 2431726 (VCV002431726.1), dbSNP rs759015068, ClinGen allele CA345489745.